The following is an entry in ClinVar:

ClinVar aggregate classification (germline): Uncertain significance (1 of 4 stars; one submission).

gnomAD v4.1: 2 of 1,611,636 alleles (0.00012%); highest among the groups gnomAD compares: Non-Finnish European, 0.00017%; no homozygotes.

Submission:

Labcorp Genetics (formerly Invitae), Labcorp
Classification: Uncertain significance. Last evaluated: 2024-07-24. Review status: criteria provided, single submitter. Criteria: Invitae Variant Classification Sherloc (09022015). Collection method: clinical testing. Allele origin: germline.
Comment: The OPA1 gene has multiple clinically relevant transcripts. This variant occurs in alternate transcript NM_130837.2, and corresponds to NM_015560.2:c.556+543C>T in the primary transcript. This sequence change replaces leucine, which is neutral and non-polar, with phenylalanine, which is neutral and non-polar, at codon 201 of the OPA1 protein (p.Leu201Phe). This variant is not present in population databases (gnomAD no frequency). This variant has not been reported in the literature in individuals affected with OPA1-related conditions. Experimental studies and prediction algorithms are not available or were not evaluated, and the functional significance of this variant is currently unknown. In summary, the available evidence is currently insufficient to determine the role of this variant in disease. Therefore, it has been classified as a Variant of Uncertain Significance.

NM_130837.3(OPA1):c.601C>T (p.Leu201Phe)

Gene: OPA1 (OPA1 mitochondrial dynamin like GTPase; plus strand). Cytogenetic location: 3q29.
Variant type: single nucleotide variant.
Coding change: c.601C>T on transcript NM_130837.3 (MANE Select); coding-DNA position 601, C replaced by T.
Protein change: p.Leu201Phe; replaces leucine 201 with phenylalanine.
Molecular consequence: missense variant. On other transcripts: intron variant (6).
Genome position (GRCh38, 1-based): chr3:193,617,828, C>T. VCF-style: chr3-193617828-C-T. GRCh37 (hg19) VCF-style: chr3-193335617-C-T.
Other names: c.493C>T, p.Leu165Phe (NM_130832.3, NM_130835.3); c.601C>T, p.Leu201Phe (NM_130834.3); c.184+543C>T (NM_001354664.2); c.77-1041C>T (NM_001354663.2); c.556+543C>T (NM_130836.3, NM_015560.3); c.449-1041C>T (NM_130833.3, NM_130831.3); short protein forms L165F, L201F.
Identifiers: ClinVar variation 3686149 (VCV003686149.2).